The following is an entry in ClinVar:

NM_004999.4(MYO6):c.2696A>G (p.Tyr899Cys)

Gene: MYO6 (myosin VI; plus strand). Cytogenetic location: 6q14.1.
Variant type: single nucleotide variant.
Coding change: c.2696A>G on transcript NM_004999.4 (MANE Select); coding-DNA position 2696, A replaced by G.
Protein change: p.Tyr899Cys; replaces tyrosine 899 with cysteine.
Molecular consequence: missense variant. On other transcripts: non-coding transcript variant (1).
Genome position (GRCh38, 1-based): chr6:75,890,094, A>G. VCF-style: chr6-75890094-A-G. GRCh37 (hg19) VCF-style: chr6-76599811-A-G.
Other names: c.2696A>G, p.Tyr899Cys (NM_001300899.2, NM_001368136.1, NM_001368137.1 and 2 more transcripts); c.2681A>G, p.Tyr894Cys (NM_001368138.1); c.2696A>G (NM_004999.3); short protein forms Y894C, Y899C.
Identifiers: ClinVar variation 2693775 (VCV002693775.4), dbSNP rs370750657, ClinGen allele CA3897441.

ClinVar aggregate classification (germline): Uncertain significance. Review status: criteria provided, multiple submitters, no conflicts (2 of 4 stars). 2 submissions from 2 submitters: Uncertain significance (2). Last evaluated 2025-06-17.

Conditions:
Inborn genetic diseases. Identifiers: MedGen C0950123, MeSH D030342.

Allele frequency attached by ClinVar (database versions not stated): gnomAD exomes below 0.00001; ExAC 0.00002; gnomAD 0.00003; TOPMed 0.00005; ESP Exome Variant Server 0.00008.
gnomAD v4.1: 7 of 1,613,866 alleles (0.00043%); highest among the groups gnomAD compares: African/African-American, 0.0093%; no homozygotes.

Submissions (2):

Ambry Genetics
Classification: Uncertain significance for Inborn genetic diseases. Last evaluated: 2025-06-17. Review status: criteria provided, single submitter. Criteria: Ambry Variant Classification Scheme 2023. Collection method: clinical testing. Allele origin: germline.

Labcorp Genetics (formerly Invitae), Labcorp
Classification: Uncertain significance. Last evaluated: 2023-04-15. Review status: criteria provided, single submitter. Criteria: Invitae Variant Classification Sherloc (09022015). Collection method: clinical testing. Allele origin: germline.
Comment: In summary, the available evidence is currently insufficient to determine the role of this variant in disease. Therefore, it has been classified as a Variant of Uncertain Significance. Advanced modeling of protein sequence and biophysical properties (such as structural, functional, and spatial information, amino acid conservation, physicochemical variation, residue mobility, and thermodynamic stability) performed at Invitae indicates that this missense variant is not expected to disrupt MYO6 protein function. This variant has not been reported in the literature in individuals affected with MYO6-related conditions. This variant is present in population databases (rs370750657, gnomAD 0.02%). This sequence change replaces tyrosine, which is neutral and polar, with cysteine, which is neutral and slightly polar, at codon 899 of the MYO6 protein (p.Tyr899Cys).